The following is an entry in ClinVar:

ClinVar aggregate classification (germline): Uncertain significance (1 of 4 stars; one submission).

Conditions:
Brown-Vialetto-van Laere syndrome 2. Also called: Riboflavin transporter deficiency type 2; SPINOCEREBELLAR ATAXIA WITH BLINDNESS AND DEAFNESS 2. Identifiers: Orphanet 572543, Orphanet 97229, MedGen C3553538, MONDO:0013867, OMIM 614707.

Submission:

Neuberg Centre For Genomic Medicine, NCGM
Classification: Uncertain significance for Brown-Vialetto-van Laere syndrome 2. Review status: criteria provided, single submitter. Criteria: ACMG Guidelines, 2015. Collection method: clinical testing. Allele origin: germline. Inheritance: Autosomal recessive inheritance. Affected: yes.
Comment: The missense variant p.L405S in SLC52A2 (NM_001363118.2) has not been reported previously as a pathogenic variant nor as a benign variant, to our knowledge. The p.L405S variant is novel (not in any individuals) in gnomAD Exomes and is novel (not in any individuals) in 1000 Genomes. There is a large physicochemical difference between leucine and serine, which is likely to impact secondary protein structure as these residues differ in polarity, charge, size and/or other properties. The p.L405S missense variant is predicted to be damaging by both SIFT and PolyPhen2. The leucine residue at codon 405 of SLC52A2 is conserved in all mammalian species. The nucleotide c.1214 in SLC52A2 is predicted conserved by GERP++ and PhyloP across 100 vertebrates. For these reasons, this variant has been classified as Uncertain Significance.

NM_001363118.2(SLC52A2):c.1214T>C (p.Leu405Ser)

Gene: SLC52A2 (solute carrier family 52 member 2; plus strand). Cytogenetic location: 8q24.3.
Variant type: single nucleotide variant.
Coding change: c.1214T>C on transcript NM_001363118.2 (MANE Select); coding-DNA position 1214, T replaced by C.
Protein change: p.Leu405Ser; replaces leucine 405 with serine.
Molecular consequence: missense variant. On other transcripts: non-coding transcript variant (1).
Genome position (GRCh38, 1-based): chr8:144,360,891, T>C. VCF-style: chr8-144360891-T-C. GRCh37 (hg19) VCF-style: chr8-145584551-T-C.
Other names: c.1214T>C, p.Leu405Ser (NM_001253815.2, NM_001253816.2, NM_001363120.2 and 2 more transcripts); c.722T>C, p.Leu241Ser (NM_001363122.2); c.950T>C, p.Leu317Ser (NM_001410949.1); short protein forms L241S, L317S, L405S.
Identifiers: ClinVar variation 2627527 (VCV002627527.1), dbSNP rs2537251397, ClinGen allele CA372629621.